The following is an entry in ClinVar:

NM_001330701.2(AGTPBP1):c.2195A>G (p.Tyr732Cys)

Gene: AGTPBP1 (ATP/GTP binding carboxypeptidase 1; minus strand). Cytogenetic location: 9q21.33.
Variant type: single nucleotide variant.
Coding change: c.2195A>G on transcript NM_001330701.2 (MANE Select); coding-DNA position 2195, A replaced by G.
Protein change: p.Tyr732Cys; replaces tyrosine 732 with cysteine.
Molecular consequence: missense variant.
Genome position (GRCh38, 1-based): chr9:85,619,123, T>C on the plus strand (A>G on the coding strand, the complement: AGTPBP1 is on the minus strand). VCF-style: chr9-85619123-T-C. GRCh37 (hg19) VCF-style: chr9-88234038-T-C.
Other names: c.2351A>G, p.Tyr784Cys (NM_001286715.1); c.2231A>G, p.Tyr744Cys (NM_001286717.1); c.2075A>G, p.Tyr692Cys (NM_015239.3); short protein forms Y784C, Y692C, Y744C, Y732C.
Identifiers: ClinVar variation 599380 (VCV000599380.2), dbSNP rs1564069651, ClinGen allele CA373924320.
Genomic context (GRCh38, chr9:85,619,123, plus strand): 5'-TCAAAGTAAAACCACTGATGATAATGATTGCTGTTTATGTCTGAGTTCAGAATAAGATCA[T>C]ATTCATTTCTGAAAATAGAAGACAAAGAAATCTGATGAAAATTAGGAAATATCTGTGCAC-3'
Protein context (NP_001317630.1, residues 722-742): RKVIQIRKNE[Tyr732Cys]DLILNSDINS

ClinVar aggregate classification (germline): Likely pathogenic (0 of 4 stars; one submission).

Conditions:
Global developmental delay (DD). Also called: Cognitive delay. Identifiers: MedGen C0557874, HP:0001263. Disease mechanism: loss of function.
Aplasia/Hypoplasia of the cerebellum. Identifiers: MedGen C3279222, HP:0007360.

gnomAD v4.1: 1 of 1,612,768 alleles (0.000062%); no homozygotes.

Submission:

Hadassah Hebrew University Medical Center
Classification: Likely pathogenic for Aplasia/Hypoplasia of the cerebellum; Global developmental delay. Review status: no assertion criteria provided. Collection method: clinical testing. Allele origin: germline. Inheritance: Autosomal recessive inheritance. Affected: yes. Observed: 1 compound heterozygote.
Comment: The variant affects a highly conserved residue and is not found in the gnomAD database nor in the in-house database.